The following is an entry in ClinVar:

ClinVar aggregate classification (germline): Likely benign. Review status: criteria provided, multiple submitters, no conflicts (2 of 4 stars). 3 submissions from 3 submitters: Likely benign (2). 1 of the submissions does not count toward it. Last evaluated 2018-12-14.

Conditions:
PTPRQ-related disorder. Also called: PTPRQ-related condition.

Allele frequency attached by ClinVar (database versions not stated): gnomAD 0.00973 and 0.01045; ESP Exome Variant Server 0.01029; TOPMed 0.01096; 1000 Genomes Project 0.01198; 1000 Genomes Project 30x 0.01312.
gnomAD v4.1: 2,726 of 1,499,786 alleles (0.18%); highest among the groups gnomAD compares: African/African-American, 3.5%; 44 homozygotes.

Submissions (3):

GeneDx
Classification: Likely benign. Last evaluated: 2018-12-14. Review status: criteria provided, single submitter. Criteria: GeneDx Variant Classification Process June 2021. Collection method: clinical testing. Allele origin: germline. Affected: yes.

Breakthrough Genomics
Classification: Likely benign. Review status: criteria provided, single submitter. Criteria: ACMG Guidelines, 2015. Collection method: not provided. Allele origin: germline. Inheritance: Autosomal recessive inheritance. Affected: yes.

PreventionGenetics, part of Exact Sciences
Classification: Benign for PTPRQ-related condition. Last evaluated: 2019-09-23. Review status: no assertion criteria provided. Collection method: clinical testing. Allele origin: germline. Not counted in ClinVar's aggregate classification.
Comment: This variant is classified as benign based on ACMG/AMP sequence variant interpretation guidelines (Richards et al. 2015 PMID: 25741868, with internal and published modifications).

NM_001145026.2(PTPRQ):c.*78T>A

Gene: PTPRQ (protein tyrosine phosphatase receptor type Q; plus strand). Cytogenetic location: 12q21.31.
Variant type: single nucleotide variant.
Coding change: c.*78T>A on transcript NM_001145026.2 (MANE Select); 78 bases downstream of the stop codon, T replaced by A.
Molecular consequence: 3 prime UTR variant.
Genome position (GRCh38, 1-based): chr12:80,679,101, T>A. VCF-style: chr12-80679101-T-A. GRCh37 (hg19) VCF-style: chr12-81072880-T-A.
Other names: c.*78T>A (NM_001145026.1).
Identifiers: ClinVar variation 1190485 (VCV001190485.5), dbSNP rs114143939, ClinGen allele CA13738874.